The following is an entry in ClinVar:

ClinVar aggregate classification (germline): Pathogenic. Review status: reviewed by expert panel (3 of 4 stars). 12 submissions from 12 submitters: Pathogenic (1). 11 of the submissions do not count toward it. Last evaluated 2016-10-18.

Conditions:
Hereditary cancer-predisposing syndrome. Also called: Tumor predisposition; Neoplastic Syndromes, Hereditary; Hereditary neoplastic syndrome; Hereditary Cancer Syndrome. Identifiers: Orphanet 140162, MedGen C0027672, MeSH D009386, MONDO:0015356.
Hereditary breast ovarian cancer syndrome. Also called: Hereditary breast and ovarian cancer; Hereditary breast and ovarian cancer syndrome (HBOC); Hereditary breast and/or ovarian cancer syndrome; Breast and ovarian cancer; Hereditary breast and ovarian cancer syndrome; BRCA1- and BRCA2-Associated Hereditary Breast and Ovarian Cancer. Identifiers: Orphanet 145, MedGen C0677776, MeSH D061325, MONDO:0003582. Disease mechanism: loss of function.
Breast-ovarian cancer, familial, susceptibility to, 2 (BROVCA2). Also called: BRCA2 Hereditary Breast and Ovarian Cancer. Identifiers: Orphanet 145, MedGen C2675520, MONDO:0012933, OMIM 612555. Disease mechanism: loss of function.

Allele frequency attached by ClinVar (database versions not stated): gnomAD exomes below 0.00001.
gnomAD v4.1: 1 of 1,614,008 alleles (0.000062%); highest among the groups gnomAD compares: Non-Finnish European, 0.000085%; no homozygotes.

Submissions (12):

Evidence-based Network for the Interpretation of Germline Mutant Alleles (ENIGMA)
Classification: Pathogenic for Breast-ovarian cancer, familial, susceptibility to, 2. Last evaluated: 2016-10-18. Review status: reviewed by expert panel. Criteria: ENIGMA BRCA1/2 Classification Criteria (2015). Collection method: curation. Allele origin: germline.
Comment: Variant allele predicted to encode a truncated non-functional protein.

Color Diagnostics, LLC DBA Color Health
Classification: Pathogenic for Hereditary cancer-predisposing syndrome. Last evaluated: 2024-10-28. Review status: criteria provided, single submitter. Criteria: ACMG Guidelines, 2015. Collection method: clinical testing. Allele origin: germline. Not counted in ClinVar's aggregate classification.
Comment: This variant changes 1 nucleotide in exon 11 of the BRCA2 gene, creating a premature translation stop signal. This variant is expected to result in an absent or non-functional protein product. This variant has been detected in a breast cancer case-control meta-analysis in 1/60466 cases and 0/53461 unaffected individuals (PMID: 33471991; Leiden Open Variation Database DB-ID BRCA2_004512). This variant has not been identified in the general population by the Genome Aggregation Database (gnomAD). Loss of BRCA2 function is a known mechanism of disease. Based on the available evidence, this variant is classified as Pathogenic.

Labcorp Genetics (formerly Invitae), Labcorp
Classification: Pathogenic for Hereditary breast ovarian cancer syndrome. Last evaluated: 2024-07-21. Review status: criteria provided, single submitter. Criteria: Invitae Variant Classification Sherloc (09022015). Collection method: clinical testing. Allele origin: germline. Not counted in ClinVar's aggregate classification.
Comment: This sequence change creates a premature translational stop signal (p.Gln1175*) in the BRCA2 gene. It is expected to result in an absent or disrupted protein product. Loss-of-function variants in BRCA2 are known to be pathogenic (PMID: 20104584). This variant is not present in population databases (gnomAD no frequency). This premature translational stop signal has been observed in individual(s) with clinical features of hereditary breast and ovarian cancer syndrome (PMID: 29446198). ClinVar contains an entry for this variant (Variation ID: 266756). For these reasons, this variant has been classified as Pathogenic.

Ambry Genetics
Classification: Pathogenic for Hereditary cancer-predisposing syndrome. Last evaluated: 2024-07-08. Review status: criteria provided, single submitter. Criteria: Ambry Variant Classification Scheme 2023. Collection method: clinical testing. Allele origin: germline. Not counted in ClinVar's aggregate classification.
Comment: The p.Q1175* pathogenic mutation (also known as c.3523C>T), located in coding exon 10 of the BRCA2 gene, results from a C to T substitution at nucleotide position 3523. This changes the amino acid from a glutamine to a stop codon within coding exon 10. This variant is considered to be rare based on population cohorts in the Genome Aggregation Database (gnomAD). This alteration is expected to result in loss of function by premature protein truncation or nonsense-mediated mRNA decay. As such, this alteration is interpreted as a disease-causing mutation.

KCCC/NGS Laboratory, Kuwait Cancer Control Center
Classification: Pathogenic for Breast-ovarian cancer, familial, susceptibility to, 2. Last evaluated: 2023-06-06. Review status: criteria provided, single submitter. Criteria: ACMG Guidelines, 2015. Collection method: clinical testing. Allele origin: germline. Affected: yes. Not counted in ClinVar's aggregate classification.
Comment: A known pathogenic mutation was detected in exon 11 of the BRCA2 gene in this specimen (c.3523C>T). This sequence change creates a premature translational stop signal (p.Gln1175*) in the BRCA2 gene. It is expected to result in an absent or disrupted protein product. This variant is not present in population databases (ExAC no frequency). This variant has been observed in an individual with clinical features of hereditary breast and ovarian cancer syndrome (PMID: 29446198). ClinVar contains an entry for this variant (Variation ID: 266756) with 7 submissions all of which describe it as pathogenic, 3 stars, no conflicts, reviewed by an expert panel. Loss-of-function variants in BRCA2 are known to be pathogenic (PMID: 20104584). Therefore, this variant has been classified as Pathogenic.

Human Genetics Bochum, Ruhr University Bochum
Classification: Pathogenic. Last evaluated: 2023-02-28. Review status: criteria provided, single submitter. Criteria: ACMG Guidelines, 2015. Collection method: clinical testing. Allele origin: germline. Affected: no. Not counted in ClinVar's aggregate classification.
Comment: ACMG criteria used to clasify this variant:PVS1, PS4_MOD, PM2_SUP

Clinical Genetics Laboratory, Skane University Hospital Lund
Classification: Pathogenic. Last evaluated: 2022-11-18. Review status: criteria provided, single submitter. Criteria: ACMG Guidelines, 2015. Collection method: clinical testing. Allele origin: germline. Affected: yes. Not counted in ClinVar's aggregate classification.

Clinical Genetics and Genomics, Karolinska University Hospital
Classification: Pathogenic. Last evaluated: 2019-02-22. Review status: criteria provided, single submitter. Criteria: ACMG Guidelines, 2015. Collection method: clinical testing. Allele origin: germline. Affected: yes. Observed: 1 variant allele. Not counted in ClinVar's aggregate classification.

GeneDx
Classification: Pathogenic. Last evaluated: 2017-05-16. Review status: criteria provided, single submitter. Criteria: GeneDx Variant Classification (06012015). Collection method: clinical testing. Allele origin: germline. Affected: yes. Not counted in ClinVar's aggregate classification.
Comment: This variant is denoted BRCA2 c.3523C>T at the cDNA level and p.Gln1175Ter (Q1175X) at the proteinlevel. The substitution creates a nonsense variant, which changes a Glutamine to a premature stop codon (CAG>TAG),and is predicted to cause loss of normal protein function through either protein truncation or nonsense-mediated mRNAdecay. Although this variant has not, to our knowledge, been reported in the literature, it is considered pathogenic

Consortium of Investigators of Modifiers of BRCA1/2 (CIMBA), c/o University of Cambridge
Classification: Pathogenic for Breast-ovarian cancer, familial, susceptibility to, 2. Last evaluated: 2015-10-02. Review status: criteria provided, single submitter. Criteria: CIMBA Mutation Classification guidelines May 2016. Collection method: clinical testing. Allele origin: germline. Not counted in ClinVar's aggregate classification.

Neuberg Centre For Genomic Medicine, NCGM
Classification: Pathogenic for Breast-ovarian cancer, familial, susceptibility to, 2. Review status: criteria provided, single submitter. Criteria: ACMG Guidelines, 2015. Collection method: clinical testing. Allele origin: germline. Inheritance: Autosomal dominant inheritance. Affected: yes. Not counted in ClinVar's aggregate classification.
Comment: The stop gained variant c.3523C>T (p.Gln1175Ter) in BRCA2 gene has been observed in an individual with clinical features of hereditary breast and ovarian cancer syndrome (Rebbeck TR et.al.,2018). This variant is expected to result in an absent or non-functional protein product. The substitution creates a nonsense variant, which changes a Glutamine to a premature stop codon (CAG>TAG),and is predicted to cause loss of normal protein function through either protein truncation or nonsense-mediated mRNAdecay. This variant has been reported to the ClinVar database as Pathogenic. The variant is novel (not in any individuals) in gnomAD Exomes and 1000 Genomes. The nucleotide change in BRCA2 is predicted as conserved by GERP++ and PhyloP across 100 vertebrates. For these reasons, this variant has been classified as Pathogenic.

BRCAlab, Lund University
Classification: Pathogenic for Breast-ovarian cancer, familial, susceptibility to, 2. Last evaluated: 2020-03-02. Review status: no assertion criteria provided. Collection method: clinical testing. Allele origin: germline. Affected: yes. Not counted in ClinVar's aggregate classification.

Literature cited by the submitters: PubMed 33471991 (cited by Color Diagnostics, LLC DBA Color Health); PubMed 20104584 (cited by Labcorp Genetics (formerly Invitae), Labcorp); PubMed 29446198 (cited by Labcorp Genetics (formerly Invitae), Labcorp).

NM_000059.4(BRCA2):c.3523C>T (p.Gln1175Ter)

Gene: BRCA2 (BRCA2 DNA repair associated; plus strand). Cytogenetic location: 13q13.1.
Variant type: single nucleotide variant.
Coding change: c.3523C>T on transcript NM_000059.4 (MANE Select); coding-DNA position 3523, C replaced by T.
Protein change: p.Gln1175Ter; replaces glutamine 1175 with a stop codon.
Molecular consequence: nonsense.
Genome position (GRCh38, 1-based): chr13:32,337,878, C>T. VCF-style: chr13-32337878-C-T. GRCh37 (hg19) VCF-style: chr13-32912015-C-T.
Other names: 3751C>T (Q1175X); short protein forms Q1175*.
Identifiers: ClinVar variation 266756 (VCV000266756.29), dbSNP rs886040480, ClinGen allele CA10589208.